The following is an entry in ClinVar:

NM_017934.7(PHIP):c.815C>G (p.Ser272Ter)

Gene: PHIP (PHIP subunit of CUL4-Ring ligase complex; minus strand). Cytogenetic location: 6q14.1.
Variant type: single nucleotide variant.
Coding change: c.815C>G on transcript NM_017934.7 (MANE Select); coding-DNA position 815, C replaced by G.
Protein change: p.Ser272Ter; replaces serine 272 with a stop codon.
Molecular consequence: nonsense.
Genome position (GRCh38, 1-based): chr6:79,025,950, G>C on the plus strand (C>G on the coding strand, the complement: PHIP is on the minus strand). VCF-style: chr6-79025950-G-C. GRCh37 (hg19) VCF-style: chr6-79735667-G-C.
Other names: short protein forms S272*.
Identifiers: ClinVar variation 2762988 (VCV002762988.3), dbSNP rs2482188501, ClinGen allele CA364639429.

ClinVar aggregate classification (germline): Pathogenic (1 of 4 stars; one submission).

Submission:

Labcorp Genetics (formerly Invitae), Labcorp
Classification: Pathogenic. Last evaluated: 2025-10-01. Review status: criteria provided, single submitter. Criteria: Invitae Variant Classification Sherloc (09022015). Collection method: clinical testing. Allele origin: germline.
Comment: This sequence change creates a premature translational stop signal (p.Ser272*) in the PHIP gene. It is expected to result in an absent or disrupted protein product. Loss-of-function variants in PHIP are known to be pathogenic (PMID: 27900362). This variant is not present in population databases (gnomAD no frequency). This variant has not been reported in the literature in individuals affected with PHIP-related conditions. ClinVar contains an entry for this variant (Variation ID: 2762988). For these reasons, this variant has been classified as Pathogenic.

Literature cited by the submitters: PubMed 27900362.